The following is an entry in ClinVar:

ClinVar aggregate classification (germline): Pathogenic (1 of 4 stars; one submission).

Submission:

Labcorp Genetics (formerly Invitae), Labcorp
Classification: Pathogenic. Last evaluated: 2025-05-07. Review status: criteria provided, single submitter. Criteria: Invitae Variant Classification Sherloc (09022015). Collection method: clinical testing. Allele origin: germline.
Comment: This sequence change creates a premature translational stop signal (p.Glu382Glyfs*10) in the PRPF31 gene. It is expected to result in an absent or disrupted protein product. Loss-of-function variants in PRPF31 are known to be pathogenic (PMID: 18317597, 23950152). This variant is not present in population databases (gnomAD no frequency). This variant has not been reported in the literature in individuals affected with PRPF31-related conditions. ClinVar contains an entry for this variant (Variation ID: 3675600). For these reasons, this variant has been classified as Pathogenic.

Literature cited by the submitters: PubMed 18317597; PubMed 23950152.

NM_015629.4(PRPF31):c.1107_1144dup (p.Glu382delinsGlyArgSerGlySerArgProThrValTer)

Gene: PRPF31 (pre-mRNA processing factor 31; plus strand). Cytogenetic location: 19q13.42.
Variant type: Duplication.
Coding change: c.1107_1144dup on transcript NM_015629.4 (MANE Select); coding-DNA positions 1107 to 1144, 38 bases duplicated.
Protein change: p.Glu382delinsGlyArgSerGlySerArgProThrValTer.
Molecular consequence: nonsense.
Genome position (GRCh38, 1-based): chr19:54,128,338-54,128,375, 38 bases duplicated. GRCh37 (hg19): chr19:54,631,713-54,631,750.
Identifiers: ClinVar variation 3675600 (VCV003675600.2).